The following is an entry in ClinVar:

ClinVar aggregate classification (germline): Uncertain significance. Review status: criteria provided, multiple submitters, no conflicts (2 of 4 stars). 2 submissions from 2 submitters: Uncertain significance (2). Last evaluated 2023-02-09.

Conditions:
Hereditary cancer-predisposing syndrome. Also called: Neoplastic Syndromes, Hereditary; Hereditary Cancer Syndrome; Hereditary neoplastic syndrome; Tumor predisposition. Identifiers: Orphanet 140162, MedGen C0027672, MeSH D009386, MONDO:0015356.

gnomAD v4.1: 1 of 1,610,998 alleles (0.000062%); highest among the groups gnomAD compares: African/African-American, 0.0013%; no homozygotes.

Submissions (2):

Ambry Genetics
Classification: Uncertain significance for Hereditary cancer-predisposing syndrome. Last evaluated: 2023-02-09. Review status: criteria provided, single submitter. Criteria: Ambry Variant Classification Scheme 2023. Collection method: clinical testing. Allele origin: germline.
Comment: The p.T483S variant (also known as c.1447A>T), located in coding exon 14 of the POLE gene, results from an A to T substitution at nucleotide position 1447. The threonine at codon 483 is replaced by serine, an amino acid with similar properties. This amino acid position is conserved. In addition, the in silico prediction for this alteration is inconclusive. Since supporting evidence is limited at this time, the clinical significance of this alteration remains unclear.

Labcorp Genetics (formerly Invitae), Labcorp
Classification: Uncertain significance. Last evaluated: 2020-02-13. Review status: criteria provided, single submitter. Criteria: Invitae Variant Classification Sherloc (09022015). Collection method: clinical testing. Allele origin: germline.
Comment: In summary, the available evidence is currently insufficient to determine the role of this variant in disease. Therefore, it has been classified as a Variant of Uncertain Significance. Algorithms developed to predict the effect of missense changes on protein structure and function do not agree on the potential impact of this missense change (SIFT: "Deleterious"; PolyPhen-2: "Probably Damaging"; Align-GVGD: "Class C0"). This sequence change replaces threonine with serine at codon 483 of the POLE protein (p.Thr483Ser). The threonine residue is highly conserved and there is a small physicochemical difference between threonine and serine. This variant is not present in population databases (ExAC no frequency). This variant has not been reported in the literature in individuals with POLE-related disease.

NM_006231.4(POLE):c.1447A>T (p.Thr483Ser)

Gene: POLE (DNA polymerase epsilon, catalytic subunit; minus strand). Cytogenetic location: 12q24.33.
Variant type: single nucleotide variant.
Coding change: c.1447A>T on transcript NM_006231.4 (MANE Select); coding-DNA position 1447, A replaced by T.
Protein change: p.Thr483Ser; replaces threonine 483 with serine.
Molecular consequence: missense variant.
Genome position (GRCh38, 1-based): chr12:132,673,190, T>A on the plus strand (A>T on the coding strand, the complement: POLE is on the minus strand). VCF-style: chr12-132673190-T-A. GRCh37 (hg19) VCF-style: chr12-133249776-T-A.
Other names: c.1447A>T (NM_006231.2); short protein forms T483S.
Identifiers: ClinVar variation 540633 (VCV000540633.10), dbSNP rs777736640, ClinGen allele CA387358197.